The following is an entry in ClinVar:

NM_006514.4(SCN10A):c.4849G>T (p.Val1617Phe)

Gene: SCN10A (sodium voltage-gated channel alpha subunit 10; minus strand). Cytogenetic location: 3p22.2.
Variant type: single nucleotide variant.
Coding change: c.4849G>T on transcript NM_006514.4 (MANE Select); coding-DNA position 4849, G replaced by T.
Protein change: p.Val1617Phe; replaces valine 1617 with phenylalanine.
Molecular consequence: missense variant.
Genome position (GRCh38, 1-based): chr3:38,698,371, C>A on the plus strand (G>T on the coding strand, the complement: SCN10A is on the minus strand). VCF-style: chr3-38698371-C-A. GRCh37 (hg19) VCF-style: chr3-38739862-C-A.
Other names: c.4846G>T, p.Val1616Phe (NM_001293306.2); c.4555G>T, p.Val1519Phe (NM_001293307.2); short protein forms V1617F, V1519F, V1616F.
Identifiers: ClinVar variation 418471 (VCV000418471.46), dbSNP rs375940680, ClinGen allele CA2319796.

ClinVar aggregate classification (germline): Conflicting classifications of pathogenicity. Review status: criteria provided, conflicting classifications (1 of 4 stars). 8 submissions from 7 submitters: Uncertain significance (6); Likely benign (2). Last evaluated 2026-01-26.

Conditions:
SCN10A-related disorder. Also called: SCN10A-related condition.
Cardiovascular phenotype. Identifiers: MedGen CN230736.
Episodic pain syndrome, familial, 2 (FEPS2). Identifiers: Orphanet 306577, MedGen C3809893, MONDO:0014246, OMIM 615551.
Brugada syndrome. Also called: Sudden Unexplained Death Syndrome; Sudden Unexplained Nocturnal Death Syndrome (SUNDS); Sudden unexpected nocturnal death syndrome; Sudden unexplained nocturnal death syndrome. Identifiers: Orphanet 130, MedGen C1142166, MONDO:0015263.
Hereditary sodium channelopathy-related small fibers neuropathy. Identifiers: Orphanet 306577, MedGen C5190631.

Allele frequency attached by ClinVar (database versions not stated): ESP Exome Variant Server 0.00008; gnomAD exomes 0.00008 and 0.00025; ExAC 0.00010; gnomAD 0.00013 and 0.00015; TOPMed 0.00014.
gnomAD v4.1: 381 of 1,614,022 alleles (0.024%); highest among the groups gnomAD compares: Non-Finnish European, 0.031%; no homozygotes.

Submissions (8):

PreventionGenetics, part of Exact Sciences
Classification: Likely benign for SCN10A-related condition. Last evaluated: 2026-01-26. Review status: criteria provided, single submitter. Criteria: ACMG Guidelines, 2015. Collection method: clinical testing. Allele origin: germline.
Comment: This variant is classified as likely benign based on ACMG/AMP sequence variant interpretation guidelines (Richards et al. 2015 PMID: 25741868, with internal and published modifications).

CeGaT Center for Human Genetics Tuebingen
Classification: Uncertain significance. Last evaluated: 2026-01-01. Review status: criteria provided, single submitter. Criteria: CeGaT Center For Human Genetics Tuebingen Variant Classification Criteria Version 2. Collection method: clinical testing. Allele origin: germline. Affected: yes. Observed: 2 variant alleles.

Labcorp Genetics (formerly Invitae), Labcorp
Classification: Uncertain significance for Brugada syndrome. Last evaluated: 2026-01-01. Review status: criteria provided, single submitter. Criteria: Invitae Variant Classification Sherloc (09022015). Collection method: clinical testing. Allele origin: germline.
Comment: This sequence change replaces valine, which is neutral and non-polar, with phenylalanine, which is neutral and non-polar, at codon 1617 of the SCN10A protein (p.Val1617Phe). This variant is present in population databases (rs375940680, gnomAD 0.02%). This variant has not been reported in the literature in individuals affected with SCN10A-related conditions. ClinVar contains an entry for this variant (Variation ID: 418471). Invitae Evidence Modeling of protein sequence and biophysical properties (such as structural, functional, and spatial information, amino acid conservation, physicochemical variation, residue mobility, and thermodynamic stability) indicates that this missense variant is not expected to disrupt SCN10A protein function with a negative predictive value of 80%. In summary, the available evidence is currently insufficient to determine the role of this variant in disease. Therefore, it has been classified as a Variant of Uncertain Significance.

GeneDx
Classification: Uncertain significance. Last evaluated: 2025-07-28. Review status: criteria provided, single submitter. Criteria: GeneDx Variant Classification Process June 2021. Collection method: clinical testing. Allele origin: germline. Affected: yes.
Comment: Has not been previously published as pathogenic or benign to our knowledge; In silico analysis supports that this missense variant has a deleterious effect on protein structure/function

Fulgent Genetics
Classification: Uncertain significance for Episodic pain syndrome, familial, 2. Last evaluated: 2021-09-06. Review status: criteria provided, single submitter. Criteria: ACMG Guidelines, 2015. Collection method: clinical testing. Allele origin: unknown.

Ambry Genetics
Classification: Likely benign for Cardiovascular phenotype. Last evaluated: 2020-02-14. Review status: criteria provided, single submitter. Criteria: Ambry Variant Classification Scheme 2023. Collection method: clinical testing. Allele origin: germline.

Phosphorus, Inc.
Classification: Uncertain significance for Brugada syndrome. Last evaluated: 2017-08-01. Review status: criteria provided, single submitter. Criteria: ACMG Guidelines, 2015. Collection method: clinical testing. Allele origin: germline. Observed: 1 variant allele.

Phosphorus, Inc.
Classification: Uncertain significance for Hereditary sodium channelopathy-related small fibers neuropathy. Last evaluated: 2017-08-01. Review status: criteria provided, single submitter. Criteria: ACMG Guidelines, 2015. Collection method: clinical testing. Allele origin: germline. Observed: 1 variant allele.